The following is an entry in ClinVar:

ClinVar aggregate classification (germline): Uncertain significance (1 of 4 stars; one submission).

gnomAD v4.1: 1 of 1,521,518 alleles (0.000066%); highest among the groups gnomAD compares: Non-Finnish European, 0.000088%; no homozygotes.

Submission:

GeneDx
Classification: Uncertain significance. Last evaluated: 2025-03-20. Review status: criteria provided, single submitter. Criteria: GeneDx Variant Classification Process June 2021. Collection method: clinical testing. Allele origin: germline. Affected: yes.
Comment: Not observed at significant frequency in large population cohorts (gnomAD); In silico analysis indicates that this missense variant does not alter protein structure/function; Has not been previously published as pathogenic or benign to our knowledge

NM_170606.3(KMT2C):c.41C>T (p.Pro14Leu)

Gene: KMT2C (lysine methyltransferase 2C; minus strand). Cytogenetic location: 7q36.1.
Variant type: single nucleotide variant.
Coding change: c.41C>T on transcript NM_170606.3 (MANE Select); coding-DNA position 41, C replaced by T.
Protein change: p.Pro14Leu; replaces proline 14 with leucine.
Molecular consequence: missense variant.
Genome position (GRCh38, 1-based): chr7:152,435,746, G>A on the plus strand (C>T on the coding strand, the complement: KMT2C is on the minus strand). VCF-style: chr7-152435746-G-A. GRCh37 (hg19) VCF-style: chr7-152132831-G-A.
Other names: short protein forms P14L.
Identifiers: ClinVar variation 4086761 (VCV004086761.1).